The following is an entry in ClinVar:

ClinVar aggregate classification (germline): Uncertain significance. Review status: criteria provided, multiple submitters, no conflicts (2 of 4 stars). 2 submissions from 2 submitters: Uncertain significance (2). Last evaluated 2026-03-08.

Conditions:
Fanconi anemia (FA). Also called: Fanconi's anemia. Identifiers: Orphanet 84, MedGen C0015625, MeSH D005199, MONDO:0019391.
Inborn genetic diseases. Identifiers: MedGen C0950123, MeSH D030342.

Allele frequency attached by ClinVar (database versions not stated): gnomAD exomes 0.00001.
gnomAD v4.1: 7 of 1,613,510 alleles (0.00043%); highest among the groups gnomAD compares: Non-Finnish European, 0.00059%; no homozygotes.

Submissions (2):

Ambry Genetics
Classification: Uncertain significance for Inborn genetic diseases. Last evaluated: 2026-03-08. Review status: criteria provided, single submitter. Criteria: Ambry Variant Classification Scheme 2023. Collection method: clinical testing. Allele origin: germline.
Comment: The p.V320I variant (also known as c.958G>A), located in coding exon 5 of the FANCM gene, results from a G to A substitution at nucleotide position 958. The valine at codon 320 is replaced by isoleucine, an amino acid with highly similar properties. This amino acid position is conserved. In addition, this alteration is predicted to be tolerated by in silico analysis. Based on the available evidence, the clinical significance of this variant remains unclear.

Labcorp Genetics (formerly Invitae), Labcorp
Classification: Uncertain significance for Fanconi anemia. Last evaluated: 2022-09-06. Review status: criteria provided, single submitter. Criteria: Invitae Variant Classification Sherloc (09022015). Collection method: clinical testing. Allele origin: germline.
Comment: This sequence change replaces valine, which is neutral and non-polar, with isoleucine, which is neutral and non-polar, at codon 320 of the FANCM protein (p.Val320Ile). This variant is present in population databases (no rsID available, gnomAD 0.0009%). This variant has not been reported in the literature in individuals affected with FANCM-related conditions. Algorithms developed to predict the effect of missense changes on protein structure and function output the following: SIFT: "Tolerated"; PolyPhen-2: "Benign"; Align-GVGD: "Class C0". The isoleucine amino acid residue is found in multiple mammalian species, which suggests that this missense change does not adversely affect protein function. In summary, the available evidence is currently insufficient to determine the role of this variant in disease. Therefore, it has been classified as a Variant of Uncertain Significance.

NM_020937.4(FANCM):c.958G>A (p.Val320Ile)

Gene: FANCM (FA complementation group M; plus strand). Cytogenetic location: 14q21.2.
Variant type: single nucleotide variant.
Coding change: c.958G>A on transcript NM_020937.4 (MANE Select); coding-DNA position 958, G replaced by A.
Protein change: p.Val320Ile; replaces valine 320 with isoleucine.
Molecular consequence: missense variant.
Genome position (GRCh38, 1-based): chr14:45,151,436, G>A. VCF-style: chr14-45151436-G-A. GRCh37 (hg19) VCF-style: chr14-45620639-G-A.
Other names: c.880G>A, p.Val294Ile (NM_001308133.2); c.958G>A, p.Val320Ile (NM_001308134.2); short protein forms V320I, V294I.
Identifiers: ClinVar variation 2160453 (VCV002160453.5), dbSNP rs1399463674, ClinGen allele CA389590551.